The following is an entry in ClinVar:

ClinVar aggregate classification (germline): Uncertain significance (1 of 4 stars; one submission).

Conditions:
T-cell immunodeficiency, congenital alopecia, and nail dystrophy. Also called: Congenital alopecia and nail dystrophy associated with severe functional T-cell immunodeficiency; Pignata Guarino syndrome. Identifiers: Orphanet 169095, MedGen C1866426, MONDO:0011132, OMIM 601705.

Allele frequency attached by ClinVar (database versions not stated): gnomAD exomes below 0.00001 and 0.00001; ExAC 0.00002.
gnomAD v4.1: 1 of 1,611,414 alleles (0.000062%); highest among the groups gnomAD compares: Non-Finnish European, 0.000085%; no homozygotes.

Submission:

Labcorp Genetics (formerly Invitae), Labcorp
Classification: Uncertain significance for T-cell immunodeficiency, congenital alopecia, and nail dystrophy. Last evaluated: 2025-09-04. Review status: criteria provided, single submitter. Criteria: Invitae Variant Classification Sherloc (09022015). Collection method: clinical testing. Allele origin: germline.
Comment: This sequence change replaces leucine, which is neutral and non-polar, with phenylalanine, which is neutral and non-polar, at codon 27 of the FOXN1 protein (p.Leu27Phe). This variant is present in population databases (rs779728088, gnomAD 0.0009%). This variant has not been reported in the literature in individuals affected with FOXN1-related conditions. ClinVar contains an entry for this variant (Variation ID: 468553). An algorithm developed to predict the effect of missense changes on protein structure and function outputs the following: PolyPhen-2: "Benign". The phenylalanine amino acid residue is found in multiple mammalian species, which suggests that this missense change does not adversely affect protein function. In summary, the available evidence is currently insufficient to determine the role of this variant in disease. Therefore, it has been classified as a Variant of Uncertain Significance.

NM_001369369.1(FOXN1):c.79C>T (p.Leu27Phe)

Gene: FOXN1 (forkhead box N1; plus strand). Cytogenetic location: 17q11.2.
Variant type: single nucleotide variant.
Coding change: c.79C>T on transcript NM_001369369.1 (MANE Select); coding-DNA position 79, C replaced by T.
Protein change: p.Leu27Phe; replaces leucine 27 with phenylalanine.
Molecular consequence: missense variant.
Genome position (GRCh38, 1-based): chr17:28,524,048, C>T. VCF-style: chr17-28524048-C-T. GRCh37 (hg19) VCF-style: chr17-26851066-C-T.
Other names: c.79C>T, p.Leu27Phe (NM_003593.3); short protein forms L27F.
Identifiers: ClinVar variation 468553 (VCV000468553.3), dbSNP rs779728088, ClinGen allele CA8459132.